The following is an entry in ClinVar:

NM_020921.4(NIN):c.3004G>C (p.Asp1002His)

Gene: NIN (ninein; minus strand). Cytogenetic location: 14q22.1.
Variant type: single nucleotide variant.
Coding change: c.3004G>C on transcript NM_020921.4 (MANE Select); coding-DNA position 3004, G replaced by C.
Protein change: p.Asp1002His; replaces aspartic acid 1002 with histidine.
Molecular consequence: missense variant. On other transcripts: intron variant (1).
Genome position (GRCh38, 1-based): chr14:50,758,026, C>G on the plus strand (G>C on the coding strand, the complement: NIN is on the minus strand). VCF-style: chr14-50758026-C-G. GRCh37 (hg19) VCF-style: chr14-51224744-C-G.
Other names: c.3004G>C, p.Asp1002His (NM_182944.3, NM_182946.2); c.2399+1831G>C (NM_016350.5); short protein forms D1002H.
Identifiers: ClinVar variation 3663413 (VCV003663413.2).

ClinVar aggregate classification (germline): Uncertain significance (1 of 4 stars; one submission).

gnomAD v4.1: 1 of 1,614,222 alleles (0.000062%); highest among the groups gnomAD compares: Non-Finnish European, 0.000085%; no homozygotes.

Submission:

Labcorp Genetics (formerly Invitae), Labcorp
Classification: Uncertain significance. Last evaluated: 2024-10-10. Review status: criteria provided, single submitter. Criteria: Invitae Variant Classification Sherloc (09022015). Collection method: clinical testing. Allele origin: germline.
Comment: This sequence change replaces aspartic acid, which is acidic and polar, with histidine, which is basic and polar, at codon 1002 of the NIN protein (p.Asp1002His). This variant is not present in population databases (gnomAD no frequency). This variant has not been reported in the literature in individuals affected with NIN-related conditions. An algorithm developed to predict the effect of missense changes on protein structure and function (PolyPhen-2) suggests that this variant is likely to be disruptive. In summary, the available evidence is currently insufficient to determine the role of this variant in disease. Therefore, it has been classified as a Variant of Uncertain Significance.